The following is an entry in ClinVar:

NM_003680.4(YARS1):c.986A>G (p.Asn329Ser)

Gene: YARS1 (tyrosyl-tRNA synthetase 1; minus strand). Cytogenetic location: 1p35.1.
Variant type: single nucleotide variant.
Coding change: c.986A>G on transcript NM_003680.4 (MANE Select); coding-DNA position 986, A replaced by G.
Protein change: p.Asn329Ser; replaces asparagine 329 with serine.
Molecular consequence: missense variant.
Genome position (GRCh38, 1-based): chr1:32,782,460, T>C on the plus strand (A>G on the coding strand, the complement: YARS1 is on the minus strand). VCF-style: chr1-32782460-T-C. GRCh37 (hg19) VCF-style: chr1-33248061-T-C.
Other names: short protein forms N329S.
Identifiers: ClinVar variation 1904419 (VCV001904419.5), dbSNP rs1653091250, ClinGen allele CA339683438.

ClinVar aggregate classification (germline): Uncertain significance (1 of 4 stars; one submission).

Conditions:
Charcot-Marie-Tooth disease dominant intermediate C (CMTDIC). Also called: CHARCOT-MARIE-TOOTH NEUROPATHY, DOMINANT INTERMEDIATE C. Identifiers: Orphanet 100045, MedGen C1842237, MONDO:0012012, OMIM 608323.

Allele frequency attached by ClinVar (database versions not stated): gnomAD 0.00001.
gnomAD v4.1: 1 of 1,614,012 alleles (0.000062%); highest among the groups gnomAD compares: South Asian, 0.0011%; no homozygotes.

Submission:

Labcorp Genetics (formerly Invitae), Labcorp
Classification: Uncertain significance for Charcot-Marie-Tooth disease dominant intermediate C. Last evaluated: 2022-08-25. Review status: criteria provided, single submitter. Criteria: Invitae Variant Classification Sherloc (09022015). Collection method: clinical testing. Allele origin: germline.
Comment: This variant is not present in population databases (gnomAD no frequency). This sequence change replaces asparagine, which is neutral and polar, with serine, which is neutral and polar, at codon 329 of the YARS protein (p.Asn329Ser). This variant has not been reported in the literature in individuals affected with YARS-related conditions. Algorithms developed to predict the effect of missense changes on protein structure and function are either unavailable or do not agree on the potential impact of this missense change (SIFT: "Not Available"; PolyPhen-2: "Benign"; Align-GVGD: "Not Available"). Algorithms developed to predict the effect of sequence changes on RNA splicing suggest that this variant may create or strengthen a splice site. In summary, the available evidence is currently insufficient to determine the role of this variant in disease. Therefore, it has been classified as a Variant of Uncertain Significance.